The following is an entry in ClinVar:

NM_001371928.1(AHDC1):c.2898del (p.Tyr967fs)

Gene: AHDC1 (AT-hook DNA binding motif containing 1; minus strand). Cytogenetic location: 1p36.11.
Variant type: Deletion.
Coding change: c.2898del on transcript NM_001371928.1 (MANE Select); coding-DNA position 2898, one base deleted (C; older notation c.2898delC).
Protein change: p.Tyr967fs; shifts the reading frame from tyrosine 967.
Molecular consequence: frameshift variant.
Genome position (GRCh38, 1-based): chr1:27,549,218, G deleted on the plus strand (C on the coding strand, the reverse complement: AHDC1 is on the minus strand); the first of 2 consecutive G bases (chr1:27,549,218-27,549,219); deleting either gives the same sequence. VCF-style (leftmost placement, unchanged base first): chr1-27549217-AG-A. GRCh37 (hg19) VCF-style: chr1-27875728-AG-A.
Other names: c.2898del, p.Tyr967fs (NM_001029882.3); short protein forms Y967fs.
Identifiers: ClinVar variation 133327 (VCV000133327.5), dbSNP rs587779767, ClinGen allele CA156428.
Genomic context (GRCh38, chr1:27,549,217, plus strand): 5'-AGGGCTTAGTTGGGGCGAATACGCTTTGTCCGGCCCCATAGCCGCCGTACTGGGGCAGGT[AG>A]GTGTTGGCAGGCGGGTGGGTGGTAGGTGAGCGGGCCATGGCTGAGGGCGGGGGCACCAGC-3'

ClinVar aggregate classification (germline): Pathogenic. Review status: criteria provided, single submitter (1 of 4 stars). 4 submissions from 4 submitters: Pathogenic (1). 3 of the submissions do not count toward it. Last evaluated 2014-05-01.

Conditions:
AHDC1-related intellectual disability - obstructive sleep apnea - mild dysmorphism syndrome. Also called: Xia-Gibbs syndrome. Identifiers: Orphanet 412069, MedGen C4014419, MONDO:0014358, OMIM 615829.
Delayed speech and language development. Also called: Language delay. Identifiers: MedGen C0454644, HP:0000750.
Hypotonia. Also called: Muscular hypotonia; poor muscle tone. Identifiers: MedGen C0026827, HP:0001252.
Sleep apnea. Also called: Sleep apnea syndrome. Identifiers: MedGen C0037315, MONDO:0005296, HP:0010535.
Global developmental delay (DD). Also called: Cognitive delay. Identifiers: MedGen C0557874, HP:0001263. Disease mechanism: loss of function.
Neonatal hypotonia. Identifiers: MedGen C2267233, HP:0001319.
Intellectual disability. Also called: Intellectual developmental disorder; Intellectual functioning disability; intellectual disabilities. Identifiers: MedGen C3714756, MeSH D008607, MONDO:0001071, HP:0001249.

Submissions (4):

Lupski Lab, Baylor-Hopkins CMG, Baylor College of Medicine
Classification: Pathogenic for Delayed speech and language development; Hypotonia; Sleep apnea. Last evaluated: 2014-05-01. Review status: criteria provided, single submitter. Criteria: Xia et al. (Am J Hum Genet. 2014). Collection method: clinical testing. Allele origin: de novo. Inheritance: Autosomal dominant inheritance. Affected: yes. Observed: 1 variant allele, 1 heterozygote.

OMIM
Classification: Pathogenic for XIA-GIBBS SYNDROME. Last evaluated: 2014-05-01. Review status: no assertion criteria provided. Collection method: literature only. Allele origin: germline. Not counted in ClinVar's aggregate classification.

Whole genome laboratory; Baylor College of Medicine
Classification: Pathogenic for Neonatal hypotonia; Sleep apnea; Delayed speech and language development; Intellectual disability; Global developmental delay. Last evaluated: 2014-04-17. Review status: no assertion criteria provided. Collection method: clinical testing. Allele origin: germline. Affected: yes. Observed: 1 variant allele. Study: Clinical exome sequencing test. Not counted in ClinVar's aggregate classification.
Comment: Sporadic neonatal hypotonia, developmental delay, speech impairment, sleep apnea, and intellectual disability

Human Genome Sequencing Center Clinical Lab, Baylor College of Medicine
Classification: Pathogenic for AHDC1-related intellectual disability - obstructive sleep apnea - mild dysmorphism syndrome. Review status: no assertion criteria provided. Collection method: clinical testing. Allele origin: de novo. Affected: yes. Not counted in ClinVar's aggregate classification.

Literature cited by the submitters: PubMed 24791903 (cited by OMIM and Whole genome laboratory; Baylor College of Medicine).